The following is an entry in ClinVar:

ClinVar aggregate classification (germline): Benign/Likely benign. Review status: criteria provided, multiple submitters, no conflicts (2 of 4 stars). 5 submissions from 5 submitters: Benign (3); Likely benign (2). Last evaluated 2026-01-27.

Conditions:
Mitochondrial complex I deficiency, nuclear type 1. Also called: NADH-COENZYME Q REDUCTASE DEFICIENCY; MITOCHONDRIAL NADH DEHYDROGENASE COMPONENT OF COMPLEX I, DEFICIENCY OF. Identifiers: MedGen C6022305, MONDO:0100224, OMIM 252010.
Mitochondrial complex I deficiency, nuclear type 6. Also called: Mitochondrial complex 1 deficiency, nuclear type 6. Identifiers: MedGen C4748759, MONDO:0032611, OMIM 618228.

Allele frequency attached by ClinVar (database versions not stated): gnomAD exomes 0.00216 and 0.00496; ExAC 0.00570; 1000 Genomes Project 0.01238; 1000 Genomes Project 30x 0.01359; gnomAD 0.01648 and 0.01793; TOPMed 0.01848; ESP Exome Variant Server 0.02014.
gnomAD v4.1: 5,884 of 1,613,844 alleles (0.36%); highest among the groups gnomAD compares: African/African-American, 5.6%; 121 homozygotes.

Submissions (5):

Labcorp Genetics (formerly Invitae), Labcorp
Classification: Benign. Last evaluated: 2026-01-27. Review status: criteria provided, single submitter. Criteria: Invitae Variant Classification Sherloc (09022015). Collection method: clinical testing. Allele origin: germline.

Genome-Nilou Lab
Classification: Benign for Mitochondrial complex I deficiency, nuclear type 6. Last evaluated: 2023-04-11. Review status: criteria provided, single submitter. Criteria: ACMG Guidelines, 2015. Collection method: clinical testing. Allele origin: germline. Affected: no.

Illumina Laboratory Services, Illumina
Classification: Likely benign for Mitochondrial complex I deficiency, nuclear type 1. Last evaluated: 2018-01-13. Review status: criteria provided, single submitter. Criteria: ICSL Variant Classification Criteria 13 December 2019. Collection method: clinical testing. Allele origin: germline.
Comment: This variant was observed in the ICSL laboratory as part of a predisposition screen in an ostensibly healthy population. It had not been previously curated by ICSL or reported in the Human Gene Mutation Database (HGMD: prior to June 1st, 2018), and was therefore a candidate for classification through an automated scoring system. Utilizing variant allele frequency, disease prevalence and penetrance estimates, and inheritance mode, an automated score was calculated to assess if this variant is too frequent to cause the disease. Based on the score and internal cut-off values, a variant classified as likely benign is not then subjected to further curation. The score for this variant resulted in a classification of likely benign for this disease.

GeneDx
Classification: Benign. Last evaluated: 2014-04-04. Review status: criteria provided, single submitter. Criteria: GeneDx Variant Classification (06012015). Collection method: clinical testing. Allele origin: germline. Affected: yes.
Comment: This variant is considered likely benign or benign based on one or more of the following criteria: it is a conservative change, it occurs at a poorly conserved position in the protein, it is predicted to be benign by multiple in silico algorithms, and/or has population frequency not consistent with disease.

Breakthrough Genomics
Classification: Likely benign. Review status: criteria provided, single submitter. Criteria: ACMG Guidelines, 2015. Collection method: not provided. Allele origin: germline. Inheritance: Autosomal recessive inheritance. Affected: yes.

NM_001377299.1(NDUFS2):c.986+12A>G

Gene: NDUFS2 (NADH:ubiquinone oxidoreductase core subunit S2; plus strand). Cytogenetic location: 1q23.3.
Variant type: single nucleotide variant.
Coding change: c.986+12A>G on transcript NM_001377299.1 (MANE Select); 12 bases into the intron after coding-DNA position 986, A replaced by G.
Molecular consequence: intron variant.
Genome position (GRCh38, 1-based): chr1:161,210,722, A>G. VCF-style: chr1-161210722-A-G. GRCh37 (hg19) VCF-style: chr1-161180512-A-G.
Other names: c.986+12A>G (NM_001377300.1, NM_001377298.1, NM_001377301.1 and 3 more transcripts).
Identifiers: ClinVar variation 138486 (VCV000138486.14), dbSNP rs11265565, ClinGen allele CA292497.